The following is an entry in ClinVar:

ClinVar aggregate classification (germline): Uncertain significance. Review status: criteria provided, multiple submitters, no conflicts (2 of 4 stars). 3 submissions from 3 submitters: Uncertain significance (2). 1 of the submissions does not count toward it. Last evaluated 2023-11-22.

Conditions:
TGFBR1-related disorder. Also called: TGFBR1-related condition.
Familial thoracic aortic aneurysm and aortic dissection (TAAD). Also called: Thoracic aortic aneurysms and dissections. Identifiers: Orphanet 91387, MedGen C4707243, MONDO:0019625.

Submissions (3):

Labcorp Genetics (formerly Invitae), Labcorp
Classification: Uncertain significance for Familial thoracic aortic aneurysm and aortic dissection. Last evaluated: 2023-11-22. Review status: criteria provided, single submitter. Criteria: Invitae Variant Classification Sherloc (09022015). Collection method: clinical testing. Allele origin: germline.
Comment: This sequence change replaces glycine, which is neutral and non-polar, with aspartic acid, which is acidic and polar, at codon 322 of the TGFBR1 protein (p.Gly322Asp). This variant is not present in population databases (gnomAD no frequency). This missense change has been observed in individual(s) with clinical features of thoracic aortic aneurysm and dissection (Invitae). It has also been observed to segregate with disease in related individuals. ClinVar contains an entry for this variant (Variation ID: 213901). Advanced modeling of protein sequence and biophysical properties (such as structural, functional, and spatial information, amino acid conservation, physicochemical variation, residue mobility, and thermodynamic stability) performed at Invitae indicates that this missense variant is expected to disrupt TGFBR1 protein function with a positive predictive value of 80%. In summary, the available evidence is currently insufficient to determine the role of this variant in disease. Therefore, it has been classified as a Variant of Uncertain Significance.

GeneDx
Classification: Uncertain significance. Last evaluated: 2015-06-22. Review status: criteria provided, single submitter. Criteria: GeneDx Variant Classification (06012015). Collection method: clinical testing. Allele origin: germline. Affected: yes.
Comment: p.Gly322Asp (G322D) (GGT>GAT): c.965 G>A in exon 5 of the TGFBR1 gene (NM_004612.2) The G322D variant of unknown significance in the TGFBR1 gene has not been published as a mutation or reported as a benign polymorphism to our knowledge. The G322D variant was not observed in approximately 6,500 individuals of European and African American ancestry in the NHLBI Exome Sequencing Project, indicating it is not a common benign variant in these populations. The G322D variant is a non-conservative amino acid substitution, which is likely to impact secondary protein structure as these residues differ in polarity, charge, size and/or other properties, and occurs at a position that is conserved across species. Consequently, in silico analysis predicts this variant is probably damaging to the protein structure/function. Missense mutations in nearby residues (G312S, H315R, M318R) have been reported in association with TGFBR1-related disorders, supporting the functional importance of this region of the protein. Therefore, based on the currently available information, it is unclear whether this variant is a pathogenic mutation or a rare benign variant. This variant was found in TAADV2-PANCARD

PreventionGenetics, part of Exact Sciences
Classification: Uncertain significance for TGFBR1-related condition. Last evaluated: 2024-02-01. Review status: no assertion criteria provided. Collection method: clinical testing. Allele origin: germline. Not counted in ClinVar's aggregate classification.
Comment: The TGFBR1 c.965G>A variant is predicted to result in the amino acid substitution p.Gly322Asp. To our knowledge, this variant has not been reported in the literature or in a large population database, indicating this variant is rare. At this time, the clinical significance of this variant is uncertain due to the absence of conclusive functional and genetic evidence.

NM_004612.4(TGFBR1):c.965G>A (p.Gly322Asp)

Gene: TGFBR1 (transforming growth factor beta receptor 1; plus strand). Cytogenetic location: 9q22.33.
Variant type: single nucleotide variant.
Coding change: c.965G>A on transcript NM_004612.4 (MANE Select); coding-DNA position 965, G replaced by A.
Protein change: p.Gly322Asp; replaces glycine 322 with aspartic acid.
Molecular consequence: missense variant.
Genome position (GRCh38, 1-based): chr9:99,142,695, G>A. VCF-style: chr9-99142695-G-A. GRCh37 (hg19) VCF-style: chr9-101904977-G-A.
Other names: p.G322D:GGT>GAT; c.734G>A, p.Gly245Asp (NM_001130916.3); c.977G>A, p.Gly326Asp (NM_001306210.2); c.965G>A (NM_004612.3); short protein forms G322D, G326D, G245D.
Identifiers: ClinVar variation 213901 (VCV000213901.13), dbSNP rs863223833, ClinGen allele CA322256.